The following is an entry in ClinVar:

NM_001267550.2(TTN):c.49638G>A (p.Lys16546=)

Genes: TTN-AS1 (TTN antisense RNA 1; plus strand), TTN (titin; minus strand). Cytogenetic location: 2q31.2.
Variant type: single nucleotide variant.
Coding change: c.49638G>A on transcript NM_001267550.2 (MANE Select); coding-DNA position 49638, G replaced by A.
Protein change: p.Lys16546=; no amino-acid change (lysine 16546 retained).
Molecular consequence: synonymous variant.
Genome position (GRCh38, 1-based): chr2:178,613,171, C>T on the plus strand (G>A on the coding strand, the complement: TTN is on the minus strand). VCF-style: chr2-178613171-C-T. GRCh37 (hg19) VCF-style: chr2-179477898-C-T.
Other names: c.44715G>A, p.Lys14905= (NM_001256850.1); c.22443G>A, p.Lys7481= (NM_003319.4); c.41934G>A, p.Lys13978= (NM_133378.4); c.22818G>A, p.Lys7606= (NM_133432.3); c.23019G>A, p.Lys7673= (NM_133437.4).
Identifiers: ClinVar variation 2684091 (VCV002684091.4), dbSNP rs7355450, ClinGen allele CA60986805.

ClinVar aggregate classification (germline): Conflicting classifications of pathogenicity. Review status: criteria provided, conflicting classifications (1 of 4 stars). 2 submissions from 2 submitters: Uncertain significance (1); Likely benign (1). Last evaluated 2023-09-11.

Conditions:
Dilated cardiomyopathy 1G (CMD1G). Identifiers: Orphanet 154, MedGen C1858763, MONDO:0011400, OMIM 604145.
Autosomal recessive limb-girdle muscular dystrophy type 2J (LGMDR10). Also called: MUSCULAR DYSTROPHY, LIMB-GIRDLE, AUTOSOMAL RECESSIVE 10; Limb-girdle muscular dystrophy, type 2J. Identifiers: Orphanet 140922, MedGen C1837342, MONDO:0012127, OMIM 608807.

Submissions (2):

Labcorp Genetics (formerly Invitae), Labcorp
Classification: Likely benign for Dilated cardiomyopathy 1G; Autosomal recessive limb-girdle muscular dystrophy type 2J. Last evaluated: 2023-09-11. Review status: criteria provided, single submitter. Criteria: Invitae Variant Classification Sherloc (09022015). Collection method: clinical testing. Allele origin: germline.

Athena Diagnostics
Classification: Uncertain significance. Last evaluated: 2023-05-26. Review status: criteria provided, single submitter. Criteria: Athena Diagnostics Criteria. Collection method: clinical testing. Allele origin: unknown.
Comment: Available data are insufficient to determine the clinical significance of the variant at this time. This variant has not been reported in large, multi-ethnic general populations. Computational tools yielded inconclusive predictions regarding the effect of this variant on RNA splicing.